The following is an entry in ClinVar:

ClinVar aggregate classification (germline): Benign/Likely benign. Review status: criteria provided, multiple submitters, no conflicts (2 of 4 stars). 4 submissions from 4 submitters: Benign (2); Likely benign (2). Last evaluated 2026-10-01.

Allele frequency attached by ClinVar (database versions not stated): 1000 Genomes Project 0.00379; 1000 Genomes Project 30x 0.00468; TOPMed 0.00818.
gnomAD v4.1: 18,310 of 1,521,122 alleles (1.2%); highest among the groups gnomAD compares: Non-Finnish European, 1.4%; 145 homozygotes.

Submissions (4):

CeGaT Center for Human Genetics Tuebingen
Classification: Benign. Last evaluated: 2026-10-01. Review status: criteria provided, single submitter. Criteria: CeGaT Center For Human Genetics Tuebingen Variant Classification Criteria Version 2. Collection method: clinical testing. Allele origin: germline. Affected: yes. Observed: 64 variant alleles.
Comment: LONP1: BS1, BS2

Labcorp Genetics (formerly Invitae), Labcorp
Classification: Benign. Last evaluated: 2026-01-31. Review status: criteria provided, single submitter. Criteria: Invitae Variant Classification Sherloc (09022015). Collection method: clinical testing. Allele origin: germline.

GeneDx
Classification: Likely benign. Last evaluated: 2018-06-08. Review status: criteria provided, single submitter. Criteria: GeneDx Variant Classification (06012015). Collection method: clinical testing. Allele origin: germline. Affected: yes.
Comment: This variant is considered likely benign or benign based on one or more of the following criteria: it is a conservative change, it occurs at a poorly conserved position in the protein, it is predicted to be benign by multiple in silico algorithms, and/or has population frequency not consistent with disease.

Breakthrough Genomics
Classification: Likely benign. Review status: criteria provided, single submitter. Criteria: ACMG Guidelines, 2015. Collection method: not provided. Allele origin: germline. Inheritance: Autosomal recessive inheritance. Affected: yes.

NM_004793.4(LONP1):c.70C>A (p.Leu24Met)

Gene: LONP1 (lon peptidase 1, mitochondrial; minus strand). Cytogenetic location: 19p13.3.
Variant type: single nucleotide variant.
Coding change: c.70C>A on transcript NM_004793.4 (MANE Select); coding-DNA position 70, C replaced by A.
Protein change: p.Leu24Met; replaces leucine 24 with methionine.
Molecular consequence: missense variant. On other transcripts: non-coding transcript variant (1), intron variant (1).
Genome position (GRCh38, 1-based): chr19:5,720,063, G>T on the plus strand (C>A on the coding strand, the complement: LONP1 is on the minus strand). VCF-style: chr19-5720063-G-T. GRCh37 (hg19) VCF-style: chr19-5720074-G-T.
Other names: c.70C>A, p.Leu24Met (NM_001276479.2); c.-160+156C>A (NM_001276480.1); short protein forms L24M.
Identifiers: ClinVar variation 676747 (VCV000676747.42), dbSNP rs11551011, ClinGen allele CA9115244.